The following is an entry in ClinVar:

NM_033064.5(ATCAY):c.405G>A (p.Ala135=)

Gene: ATCAY (ATCAY kinesin light chain interacting caytaxin; plus strand). Cytogenetic location: 19p13.3.
Variant type: single nucleotide variant.
Coding change: c.405G>A on transcript NM_033064.5 (MANE Select); coding-DNA position 405, G replaced by A.
Protein change: p.Ala135=; no amino-acid change (alanine 135 retained).
Molecular consequence: synonymous variant.
Genome position (GRCh38, 1-based): chr19:3,907,780, G>A. VCF-style: chr19-3907780-G-A. GRCh37 (hg19) VCF-style: chr19-3907778-G-A.
Identifiers: ClinVar variation 329141 (VCV000329141.31), dbSNP rs202077180, ClinGen allele CA9087161.

ClinVar aggregate classification (germline): Conflicting classifications of pathogenicity. Review status: criteria provided, conflicting classifications (1 of 4 stars). 4 submissions from 4 submitters: Uncertain significance (2); Likely benign (2). Last evaluated 2024-11-01.

Conditions:
Cayman type cerebellar ataxia. Also called: Cayman ataxia. Identifiers: Orphanet 94122, MedGen C1832585, MONDO:0011025, OMIM 601238.

Allele frequency attached by ClinVar (database versions not stated): gnomAD exomes 0.00015 and 0.00021; 1000 Genomes Project 30x 0.00016; 1000 Genomes Project 0.00020; TOPMed 0.00023; gnomAD 0.00024; ExAC 0.00025.
gnomAD v4.1: 262 of 1,614,044 alleles (0.016%); highest among the groups gnomAD compares: Middle Eastern, 0.033%; no homozygotes.

Submissions (4):

Blueprint Genetics
Classification: Likely benign. Last evaluated: 2024-11-01. Review status: criteria provided, single submitter. Criteria: ACMG Guidelines, 2015. Collection method: clinical testing. Allele origin: germline.

CeGaT Center for Human Genetics Tuebingen
Classification: Likely benign. Last evaluated: 2023-01-01. Review status: criteria provided, single submitter. Criteria: CeGaT Center For Human Genetics Tuebingen Variant Classification Criteria Version 2. Collection method: clinical testing. Allele origin: germline. Affected: yes. Observed: 2 variant alleles.
Comment: ATCAY: BP4, BP7

Illumina Laboratory Services, Illumina
Classification: Uncertain significance for Cayman type cerebellar ataxia. Last evaluated: 2018-01-13. Review status: criteria provided, single submitter. Criteria: ICSL Variant Classification Criteria 13 December 2019. Collection method: clinical testing. Allele origin: germline.

Breakthrough Genomics
Classification: Uncertain significance. Review status: criteria provided, single submitter. Criteria: ACMG Guidelines, 2015. Collection method: not provided. Allele origin: germline. Inheritance: Autosomal recessive inheritance. Affected: yes.